The following is an entry in ClinVar:

NM_000321.3(RB1):c.376del (p.Ile126fs)

Gene: RB1 (RB transcriptional corepressor 1; plus strand). Cytogenetic location: 13q14.2.
Variant type: Deletion.
Coding change: c.376del on transcript NM_000321.3 (MANE Select); coding-DNA position 376, one base deleted (A; older notation c.376delA).
Protein change: p.Ile126fs; shifts the reading frame from isoleucine 126.
Molecular consequence: frameshift variant.
Genome position (GRCh38, 1-based): chr13:48,342,710, A deleted; the last of 3 consecutive A bases (chr13:48,342,708-48,342,710); deleting any one gives the same sequence. VCF-style (leftmost placement, unchanged base first): chr13-48342707-GA-G. GRCh37 (hg19) VCF-style: chr13-48916843-GA-G.
Other names: c.376delA (NM_000321.2); short protein forms I126fs.
Identifiers: ClinVar variation 282251 (VCV000282251.12), dbSNP rs886042357, ClinGen allele CA10604120.

ClinVar aggregate classification (germline): Pathogenic. Review status: criteria provided, multiple submitters, no conflicts (2 of 4 stars). 2 submissions from 2 submitters: Pathogenic (2). Last evaluated 2025-08-07.

Conditions:
Retinoblastoma (RB1). Also called: RETINOBLASTOMA, SOMATIC. Identifiers: Orphanet 790, MedGen C0035335, MeSH D012175, MONDO:0008380, OMIM 180200, HP:0009919. Disease mechanism: loss of function. Inheritance: Both sporadic and heritable forms are tested..

Submissions (2):

Labcorp Genetics (formerly Invitae), Labcorp
Classification: Pathogenic for Retinoblastoma. Last evaluated: 2025-08-07. Review status: criteria provided, single submitter. Criteria: Invitae Variant Classification Sherloc (09022015). Collection method: clinical testing. Allele origin: germline.
Comment: This sequence change creates a premature translational stop signal (p.Ile126Serfs*10) in the RB1 gene. It is expected to result in an absent or disrupted protein product. Loss-of-function variants in RB1 are known to be pathogenic (PMID: 17096365). This variant is not present in population databases (gnomAD no frequency). This variant has not been reported in the literature in individuals affected with RB1-related conditions. ClinVar contains an entry for this variant (Variation ID: 282251). For these reasons, this variant has been classified as Pathogenic.

Eurofins Ntd Llc (ga)
Classification: Pathogenic. Last evaluated: 2015-08-14. Review status: criteria provided, single submitter. Criteria: EGL Classification Definitions 2015. Collection method: clinical testing. Allele origin: germline. Observed: 2 variant alleles, 2 heterozygotes.

Literature cited by the submitters: PubMed 17096365 (cited by Labcorp Genetics (formerly Invitae), Labcorp).